The following is an entry in ClinVar:

NM_000053.4(ATP7B):c.1472T>G (p.Phe491Cys)

Gene: ATP7B (ATPase copper transporting beta; minus strand). Cytogenetic location: 13q14.3.
Variant type: single nucleotide variant.
Coding change: c.1472T>G on transcript NM_000053.4 (MANE Select); coding-DNA position 1472, T replaced by G.
Protein change: p.Phe491Cys; replaces phenylalanine 491 with cysteine.
Molecular consequence: missense variant.
Genome position (GRCh38, 1-based): chr13:51,970,563, A>C on the plus strand (T>G on the coding strand, the complement: ATP7B is on the minus strand). VCF-style: chr13-51970563-A-C. GRCh37 (hg19) VCF-style: chr13-52544699-A-C.
Other names: c.1472T>G (NM_000053.3); c.1472T>G, p.Phe491Cys (NM_001005918.3, NM_001330578.2, NM_001330579.2 and 28 more transcripts); c.1139T>G, p.Phe380Cys (NM_001243182.2); c.1376T>G, p.Phe459Cys (NM_001406517.1, NM_001406518.1, NM_001406530.1 and 3 more transcripts); c.1043T>G, p.Phe348Cys (NM_001406539.1); short protein forms F459C, F348C, F380C, F491C.
Identifiers: ClinVar variation 2173955 (VCV002173955.3), dbSNP rs1951788755, ClinGen allele CA388035504.

ClinVar aggregate classification (germline): Uncertain significance. Review status: criteria provided, multiple submitters, no conflicts (2 of 4 stars). 2 submissions from 2 submitters: Uncertain significance (2). Last evaluated 2025-06-18.

Conditions:
Wilson disease (WND). Also called: Wilson's disease. Identifiers: Orphanet 905, MedGen C0019202, MONDO:0010200, OMIM 277900. Disease mechanism: loss of function.
Inborn genetic diseases. Identifiers: MedGen C0950123, MeSH D030342.

Allele frequency attached by ClinVar (database versions not stated): TOPMed below 0.00001.

Submissions (2):

Ambry Genetics
Classification: Uncertain significance for Inborn genetic diseases. Last evaluated: 2025-06-18. Review status: criteria provided, single submitter. Criteria: Ambry Variant Classification Scheme 2023. Collection method: clinical testing. Allele origin: germline.

Labcorp Genetics (formerly Invitae), Labcorp
Classification: Uncertain significance for Wilson disease. Last evaluated: 2024-02-23. Review status: criteria provided, single submitter. Criteria: Invitae Variant Classification Sherloc (09022015). Collection method: clinical testing. Allele origin: germline.
Comment: This sequence change replaces phenylalanine, which is neutral and non-polar, with cysteine, which is neutral and slightly polar, at codon 491 of the ATP7B protein (p.Phe491Cys). This variant is not present in population databases (gnomAD no frequency). This variant has not been reported in the literature in individuals affected with ATP7B-related conditions. ClinVar contains an entry for this variant (Variation ID: 2173955). Advanced modeling of protein sequence and biophysical properties (such as structural, functional, and spatial information, amino acid conservation, physicochemical variation, residue mobility, and thermodynamic stability) has been performed at Invitae for this missense variant, however the output from this modeling did not meet the statistical confidence thresholds required to predict the impact of this variant on ATP7B protein function. In summary, the available evidence is currently insufficient to determine the role of this variant in disease. Therefore, it has been classified as a Variant of Uncertain Significance.